The following is an entry in ClinVar:

NM_000051.4(ATM):c.662+3A>G

Gene: ATM (ATM serine/threonine kinase; plus strand). Cytogenetic location: 11q22.3.
Variant type: single nucleotide variant.
Coding change: c.662+3A>G on transcript NM_000051.4 (MANE Select); 3 bases into the intron after coding-DNA position 662, A replaced by G.
Molecular consequence: intron variant.
Genome position (GRCh38, 1-based): chr11:108,244,121, A>G. VCF-style: chr11-108244121-A-G. GRCh37 (hg19) VCF-style: chr11-108114848-A-G.
Other names: c.662+3A>G (NM_001351834.2, NM_000051.3).
Identifiers: ClinVar variation 1055378 (VCV001055378.9), dbSNP rs2135227609, ClinGen allele CA2499220545.

ClinVar aggregate classification (germline): Uncertain significance. Review status: criteria provided, multiple submitters, no conflicts (2 of 4 stars). 2 submissions from 2 submitters: Uncertain significance (2). Last evaluated 2025-11-25.

Conditions:
Hereditary cancer-predisposing syndrome. Also called: Hereditary Cancer Syndrome; Tumor predisposition; Hereditary neoplastic syndrome; Neoplastic Syndromes, Hereditary. Identifiers: Orphanet 140162, MedGen C0027672, MeSH D009386, MONDO:0015356.
Ataxia-telangiectasia syndrome (AT). Also called: ATAXIA-TELANGIECTASIA, FRESNO VARIANT; Ataxia-telangiectasia, complementation group E; ATAXIA-TELANGIECTASIA, COMPLEMENTATION GROUP A; LOUIS-BAR SYNDROME; Ataxia-telangiectasia, complementation group D; AT, COMPLEMENTATION GROUP C. Identifiers: Orphanet 100, MedGen C0004135, MONDO:0008840, OMIM 208900.

Submissions (2):

Ambry Genetics
Classification: Uncertain significance for Hereditary cancer-predisposing syndrome. Last evaluated: 2025-11-25. Review status: criteria provided, single submitter. Criteria: Ambry Variant Classification Scheme 2023. Collection method: clinical testing. Allele origin: germline.
Comment: The c.662+3A>G intronic variant results from an A to G substitution 3 nucleotides after coding exon 5 in the ATM gene. This nucleotide position is highly conserved in available vertebrate species. In silico splice site analysis predicts that this alteration may weaken the native splice donor site; however, direct evidence is insufficient at this time (Ambry internal data). Based on the available evidence, the clinical significance of this variant remains unclear.

Labcorp Genetics (formerly Invitae), Labcorp
Classification: Uncertain significance for Ataxia-telangiectasia syndrome. Last evaluated: 2025-06-22. Review status: criteria provided, single submitter. Criteria: Invitae Variant Classification Sherloc (09022015). Collection method: clinical testing. Allele origin: germline.
Comment: This sequence change falls in intron 6 of the ATM gene. It does not directly change the encoded amino acid sequence of the ATM protein. It affects a nucleotide within the consensus splice site. This variant is not present in population databases (gnomAD no frequency). This variant has not been reported in the literature in individuals affected with ATM-related conditions. ClinVar contains an entry for this variant (Variation ID: 1055378). Variants that disrupt the consensus splice site are a relatively common cause of aberrant splicing (PMID: 17576681, 9536098). Algorithms developed to predict the effect of sequence changes on RNA splicing suggest that this variant may disrupt the consensus splice site. In summary, the available evidence is currently insufficient to determine the role of this variant in disease. Therefore, it has been classified as a Variant of Uncertain Significance.

Literature cited by the submitters: PubMed 17576681 (cited by Labcorp Genetics (formerly Invitae), Labcorp); PubMed 9536098 (cited by Labcorp Genetics (formerly Invitae), Labcorp).